The following is an entry in ClinVar:

ClinVar aggregate classification (germline): Uncertain significance. Review status: criteria provided, multiple submitters, no conflicts (2 of 4 stars). 2 submissions from 2 submitters: Uncertain significance (2). Last evaluated 2025-11-25.

Conditions:
Inborn genetic diseases. Identifiers: MedGen C0950123, MeSH D030342.

Allele frequency attached by ClinVar (database versions not stated): gnomAD 0.00001.
gnomAD v4.1: 33 of 1,613,978 alleles (0.002%); highest among the groups gnomAD compares: Non-Finnish European, 0.0024%; no homozygotes.

Submissions (2):

Ambry Genetics
Classification: Uncertain significance for Inborn genetic diseases. Last evaluated: 2025-11-25. Review status: criteria provided, single submitter. Criteria: Ambry Variant Classification Scheme 2023. Collection method: clinical testing. Allele origin: germline.

CeGaT Center for Human Genetics Tuebingen
Classification: Uncertain significance. Last evaluated: 2022-11-01. Review status: criteria provided, single submitter. Criteria: CeGaT Center For Human Genetics Tuebingen Variant Classification Criteria Version 2. Collection method: clinical testing. Allele origin: germline. Affected: yes. Observed: 1 variant allele.
Comment: PUS1: PM2

NM_025215.6(PUS1):c.387T>A (p.Asn129Lys)

Genes: PUS1 (pseudouridine synthase 1; plus strand), LOC132090059 (Neanderthal introgressed variant-containing enhancer experimental_25941; plus strand). Cytogenetic location: 12q24.33.
Variant type: single nucleotide variant.
Coding change: c.387T>A on transcript NM_025215.6 (MANE Select); coding-DNA position 387, T replaced by A.
Protein change: p.Asn129Lys; replaces asparagine 129 with lysine.
Molecular consequence: missense variant.
Genome position (GRCh38, 1-based): chr12:131,932,258, T>A. VCF-style: chr12-131932258-T-A. GRCh37 (hg19) VCF-style: chr12-132416803-T-A.
Other names: c.303T>A, p.Asn101Lys (NM_001002020.3, NM_001002019.3); c.387T>A (NM_025215.5); short protein forms N101K, N129K.
Identifiers: ClinVar variation 1879248 (VCV001879248.29), dbSNP rs1416215558, ClinGen allele CA387298044.